The following is an entry in ClinVar:

ClinVar aggregate classification (germline): Conflicting classifications of pathogenicity. Review status: criteria provided, conflicting classifications (1 of 4 stars). 6 submissions from 6 submitters: Uncertain significance (1); Benign (1); Likely benign (4). Last evaluated 2025-08-03.

Conditions:
Hereditary cancer-predisposing syndrome. Also called: Neoplastic Syndromes, Hereditary; Hereditary neoplastic syndrome; Hereditary Cancer Syndrome; Tumor predisposition. Identifiers: Orphanet 140162, MedGen C0027672, MeSH D009386, MONDO:0015356.
Multiple endocrine neoplasia, type 1 (MEN1). Also called: Endocrine adenomatosis multiple; MEN 1; MEN I; WERMER SYNDROME; MEA I. Identifiers: Orphanet 652, MedGen C0025267, MeSH D018761, MONDO:0007540, OMIM 131100.

Allele frequency attached by ClinVar (database versions not stated): TOPMed below 0.00001.

Submissions (6):

Labcorp Genetics (formerly Invitae), Labcorp
Classification: Likely benign for Multiple endocrine neoplasia, type 1. Last evaluated: 2025-08-03. Review status: criteria provided, single submitter. Criteria: Invitae Variant Classification Sherloc (09022015). Collection method: clinical testing. Allele origin: germline.

Mayo Clinic Laboratories, Mayo Clinic
Classification: Likely benign. Last evaluated: 2025-07-10. Review status: criteria provided, single submitter. Criteria: ACMG Guidelines, 2015. Collection method: clinical testing. Allele origin: germline. Observed: 2 variant alleles.
Comment: BP4, BP7

Myriad Genetics, Inc.
Classification: Benign for Multiple endocrine neoplasia, type 1. Last evaluated: 2024-10-31. Review status: criteria provided, single submitter. Criteria: Myriad Autosomal Dominant, Autosomal Recessive and X-Linked Classification Criteria (2023). Collection method: clinical testing. Allele origin: unknown.
Comment: This variant is considered benign. This variant is a silent/synonymous amino acid change and it is not expected to impact splicing.

GeneDx
Classification: Uncertain significance. Last evaluated: 2024-06-10. Review status: criteria provided, single submitter. Criteria: GeneDx Variant Classification Process June 2021. Collection method: clinical testing. Allele origin: germline. Affected: yes.
Comment: Not observed at significant frequency in large population cohorts (gnomAD); In silico analysis indicates that this variant does not alter splicing; Has not been previously published as pathogenic or benign to our knowledge

Ambry Genetics
Classification: Likely benign for Hereditary cancer-predisposing syndrome. Last evaluated: 2022-04-26. Review status: criteria provided, single submitter. Criteria: Ambry Variant Classification Scheme 2023. Collection method: clinical testing. Allele origin: germline.

PreventionGenetics, part of Exact Sciences
Classification: Likely benign. Review status: criteria provided, single submitter. Criteria: ACMG Guidelines, 2015. Collection method: clinical testing. Allele origin: germline.

NM_001370259.2(MEN1):c.60G>C (p.Val20=)

Gene: MEN1 (menin 1; minus strand). Cytogenetic location: 11q13.1.
Variant type: single nucleotide variant.
Coding change: c.60G>C on transcript NM_001370259.2 (MANE Select); coding-DNA position 60, G replaced by C.
Protein change: p.Val20=; no amino-acid change (valine 20 retained).
Molecular consequence: synonymous variant.
Genome position (GRCh38, 1-based): chr11:64,810,050, C>G on the plus strand (G>C on the coding strand, the complement: MEN1 is on the minus strand). VCF-style: chr11-64810050-C-G. GRCh37 (hg19) VCF-style: chr11-64577522-C-G.
Other names: p.Val20=; c.60G>C, p.Val20= (NM_000244.4, NM_001370251.2, NM_001370260.2 and 9 more transcripts).
Identifiers: ClinVar variation 255617 (VCV000255617.17), dbSNP rs776432516, ClinGen allele CA10587133.